The following is an entry in ClinVar:

ClinVar aggregate classification (germline): Benign (1 of 4 stars; one submission).

Allele frequency attached by ClinVar (database versions not stated): TOPMed 0.60183; gnomAD 0.61232; 1000 Genomes Project 30x 0.67409; 1000 Genomes Project 0.67815.

Submission:

GeneDx
Classification: Benign. Last evaluated: 2018-06-14. Review status: criteria provided, single submitter. Criteria: GeneDx Variant Classification (06012015). Collection method: clinical testing. Allele origin: germline. Affected: yes.
Comment: This variant is considered likely benign or benign based on one or more of the following criteria: it is a conservative change, it occurs at a poorly conserved position in the protein, it is predicted to be benign by multiple in silico algorithms, and/or has population frequency not consistent with disease.

NM_004006.3(DMD):c.3786+296C>T

Gene: DMD (dystrophin; minus strand). Cytogenetic location: Xp21.1.
Variant type: single nucleotide variant.
Coding change: c.3786+296C>T on transcript NM_004006.3 (MANE Select); 296 bases into the intron after coding-DNA position 3786, C replaced by T.
Molecular consequence: intron variant.
Genome position (GRCh38, 1-based): chrX:32,448,160, G>A on the plus strand (C>T on the coding strand, the complement: DMD is on the minus strand). VCF-style: chrX-32448160-G-A. GRCh37 (hg19) VCF-style: chrX-32466277-G-A.
Other names: c.3762+296C>T (NM_000109.4); c.3774+296C>T (NM_004009.3); c.3417+296C>T (NM_004010.3).
Identifiers: ClinVar variation 680531 (VCV000680531.1), dbSNP rs5972569, ClinGen allele CA327993492.